The following is an entry in ClinVar:

ClinVar aggregate classification (germline): Uncertain significance (1 of 4 stars; one submission).

gnomAD v4.1: 1 of 1,614,202 alleles (0.000062%); highest among the groups gnomAD compares: South Asian, 0.0011%; no homozygotes.

Submission:

GeneDx
Classification: Uncertain significance. Last evaluated: 2024-12-14. Review status: criteria provided, single submitter. Criteria: GeneDx Variant Classification Process June 2021. Collection method: clinical testing. Allele origin: germline. Affected: yes.
Comment: In silico analysis indicates that this missense variant does not alter protein structure/function; Has not been previously published as pathogenic or benign to our knowledge

NM_002609.4(PDGFRB):c.524A>G (p.His175Arg)

Gene: PDGFRB (platelet derived growth factor receptor beta; minus strand). Cytogenetic location: 5q32.
Variant type: single nucleotide variant.
Coding change: c.524A>G on transcript NM_002609.4 (MANE Select); coding-DNA position 524, A replaced by G.
Protein change: p.His175Arg; replaces histidine 175 with arginine.
Molecular consequence: missense variant.
Genome position (GRCh38, 1-based): chr5:150,134,857, T>C on the plus strand (A>G on the coding strand, the complement: PDGFRB is on the minus strand). VCF-style: chr5-150134857-T-C. GRCh37 (hg19) VCF-style: chr5-149514420-T-C.
Other names: c.332A>G, p.His111Arg (NM_001355016.2); c.7A>G, p.Thr3Ala (NM_001355017.2); short protein forms H111R, H175R, T3A.
Identifiers: ClinVar variation 3906659 (VCV003906659.1).